The following continues an entry in ClinVar:

NM_000275.3(OCA2):c.2020C>G (p.Leu674Val)

Gene: OCA2. ClinVar aggregate classification (germline): Conflicting classifications of pathogenicity. Pathogenic (5); Likely pathogenic (5); Uncertain significance (6).

Submissions 10 to 16 of 16:

3billion
Classification: Uncertain significance for Tyrosinase-positive oculocutaneous albinism. Last evaluated: 2022-05-22. Review status: criteria provided, single submitter. Criteria: ACMG Guidelines, 2015. Collection method: clinical testing. Allele origin: germline. Affected: yes. Observed: 1 homozygote.
Comment: The variant is observed at an extremely low frequency in the gnomAD v2.1.1 dataset (total allele frequency: 0.032%). In silico tool predictions suggest damaging effect of the variant on gene or gene product (REVEL: 0.73; 3Cnet: 0.65). Same nucleotide change resulting in same amino acid change has been previously reported to be associated with OCA2 related disorder (ClinVar ID: VCV000194918 / PMID: 23010199). However, the evidence of pathogenicity is insufficient at this time. Therefore, this variant is classified as uncertain significanceaccording to the recommendation of ACMG/AMP guideline.

Genome-Nilou Lab
Classification: Uncertain significance for Tyrosinase-positive oculocutaneous albinism. Last evaluated: 2021-11-07. Review status: criteria provided, single submitter. Criteria: ACMG Guidelines, 2015. Collection method: clinical testing. Allele origin: germline. Affected: no.

Diagnostics Services (NGS), CSIR - Centre For Cellular And Molecular Biology
Classification: Uncertain significance for Oculocutaneous albinism; Congenital nystagmus; Respiratory tract infection; Diarrhea; Motor delay, mild; Febrile seizures. Last evaluated: 2019-12-19. Review status: criteria provided, single submitter. Criteria: ACMG Guidelines, 2015. Collection method: clinical testing. Allele origin: germline. Inheritance: Autosomal recessive inheritance. Affected: yes. Observed: 1 homozygote.
Comment: The c.2020C>G variant is not present in publicly available databases like Exome Variant Server (EVS) however present in 1000 Genomes, Exome Aggregation Consortium (ExAC), Genome Aggregation Database (gnomAD) and dbSNP at a low minor allele frequency (MAF<0.001) including one homozygote. The variant is present in our in-house exome database in heterozygous state (MAF~0.004). The variant was earlier reported to ClinVar (Accession ID: VCV000194918.1) with conflicting interpretation of pathogenicity (likely pathogenic/uncertain significance). In-silico pathogenicity prediction programs Like SIFT, PolyPhen-2, MutationTaster2, CADD etc. predicted this variant as likely deleterious, however there are no functional studies performed earlier to prove this. Due to lack of enough evidence and also considering the additional phenotypes observed in this patient along with oculocutaneous albinism and nystagmus, the variant as has been classified as uncertain significance as per ACMG guidelines.

Genetic Services Laboratory, University of Chicago
Classification: Uncertain significance. Last evaluated: 2018-06-15. Review status: criteria provided, single submitter. Criteria: ACMG Guidelines, 2015. Collection method: clinical testing. Allele origin: germline. Affected: no.

Eurofins Ntd Llc (ga)
Classification: Uncertain significance. Last evaluated: 2017-11-20. Review status: criteria provided, single submitter. Criteria: EGL Classification Definitions 2015. Collection method: clinical testing. Allele origin: germline. Observed: 1 variant allele, 1 heterozygote.

Kasturba Medical College, Manipal, Kasturba Medical College, Manipal, Manipal Academy of Higher Education, Manipal, India
Classification: Likely pathogenic for Tyrosinase-positive oculocutaneous albinism. Review status: criteria provided, single submitter. Criteria: ACMG Guidelines, 2015. Collection method: clinical testing. Allele origin: paternal. Affected: yes.

Neuberg Centre For Genomic Medicine, NCGM
Classification: Likely pathogenic for Tyrosinase-positive oculocutaneous albinism. Review status: criteria provided, single submitter. Criteria: ACMG Guidelines, 2015. Collection method: clinical testing. Allele origin: germline. Inheritance: Autosomal recessive inheritance. Affected: yes.

Literature cited by the submitters: PubMed 23010199 (cited by 6 submitters); PubMed 23504663 (cited by Ambry Genetics); PubMed 28667292 (cited by Ambry Genetics and Labcorp Genetics (formerly Invitae), Labcorp); PubMed 35741834 (cited by Ambry Genetics); PubMed 38030918 (cited by 3 submitters); PubMed 24518832 (cited by Victorian Clinical Genetics Services, Murdoch Childrens Research Institute); PubMed 40357958 (cited by Victorian Clinical Genetics Services, Murdoch Childrens Research Institute); DOI 10.1016/j.gene.2012.09.012 (cited by Kasturba Medical College, Manipal, Kasturba Medical College, Manipal, Manipal Academy of Higher Education, Manipal, India).